The following is an entry in ClinVar:

ClinVar aggregate classification (germline): Uncertain significance. Review status: criteria provided, multiple submitters, no conflicts (2 of 4 stars). 2 submissions from 2 submitters: Uncertain significance (2). Last evaluated 2022-01-31.

Conditions:
Hereditary cancer-predisposing syndrome. Also called: Hereditary neoplastic syndrome; Tumor predisposition; Hereditary Cancer Syndrome; Neoplastic Syndromes, Hereditary. Identifiers: Orphanet 140162, MedGen C0027672, MeSH D009386, MONDO:0015356.

Allele frequency attached by ClinVar (database versions not stated): TOPMed below 0.00001; gnomAD 0.00001; ExAC 0.00002; gnomAD exomes 0.00003.
gnomAD v4.1: 10 of 1,604,532 alleles (0.00062%); highest among the groups gnomAD compares: East Asian, 0.022%; no homozygotes.

Submissions (2):

Ambry Genetics
Classification: Uncertain significance for Hereditary cancer-predisposing syndrome. Last evaluated: 2022-01-31. Review status: criteria provided, single submitter. Criteria: Ambry Variant Classification Scheme 2023. Collection method: clinical testing. Allele origin: germline.
Comment: The p.Q204H variant (also known as c.612G>C), located in coding exon 6 of the EPCAM gene, results from a G to C substitution at nucleotide position 612. The glutamine at codon 204 is replaced by histidine, an amino acid with highly similar properties. This amino acid position is conserved. In addition, this alteration is predicted to be tolerated by in silico analysis. Since supporting evidence is limited at this time, the clinical significance of this alteration remains unclear.

Labcorp Genetics (formerly Invitae), Labcorp
Classification: Uncertain significance. Last evaluated: 2015-12-31. Review status: criteria provided, single submitter. Criteria: Invitae Variant Classification Sherloc (09022015). Collection method: clinical testing. Allele origin: germline.
Comment: In summary, this is a rare missense change that is not predicted to affect protein function or cause disease. However the evidence is insufficient at this time to prove that conclusively. Therefore, it has been classified as a Variant of Uncertain Significance. Algorithms developed to predict the effect of missense changes on protein structure and function (SIFT, PolyPhen-2, Align-GVGD) all suggest that this variant is likely to be tolerated, but these predictions have not been confirmed by published functional studies. This variant is present in population databases (rs775276504, ExAC 0.03%) but has not been reported in the literature in individuals with an EPCAM-related disease. This sequence change replaces glutamine with histidine at codon 204 of the EPCAM protein (p.Gln204His). The glutamine residue is moderately conserved and there is a small physicochemical difference between glutamine and histidine.

NM_002354.3(EPCAM):c.612G>C (p.Gln204His)

Gene: EPCAM (epithelial cell adhesion molecule; plus strand). Cytogenetic location: 2p21.
Variant type: single nucleotide variant.
Coding change: c.612G>C on transcript NM_002354.3 (MANE Select); coding-DNA position 612, G replaced by C.
Protein change: p.Gln204His; replaces glutamine 204 with histidine.
Molecular consequence: missense variant.
Genome position (GRCh38, 1-based): chr2:47,379,009, G>C. VCF-style: chr2-47379009-G-C. GRCh37 (hg19) VCF-style: chr2-47606148-G-C.
Other names: short protein forms Q204H.
Identifiers: ClinVar variation 219598 (VCV000219598.11), dbSNP rs775276504, ClinGen allele CA348225.